The following is an entry in ClinVar:

ClinVar aggregate classification (germline): Uncertain significance. Review status: criteria provided, multiple submitters, no conflicts (2 of 4 stars). 5 submissions from 5 submitters: Uncertain significance (5). Last evaluated 2026-06-11.

Conditions:
Combined oxidative phosphorylation defect type 7. Identifiers: Orphanet 254930, MedGen C3150801, MONDO:0013306, OMIM 613559.
Spastic paraplegia. Identifiers: MedGen C0037772, HP:0001258.

Allele frequency attached by ClinVar (database versions not stated): gnomAD exomes 0.00010 and 0.00014; TOPMed 0.00019; ExAC 0.00011; gnomAD 0.00014; ESP Exome Variant Server 0.00008.

Submissions (5):

Women's Health and Genetics/Laboratory Corporation of America, LabCorp
Classification: Uncertain significance. Last evaluated: 2026-06-11. Review status: criteria provided, single submitter. Criteria: LabCorp Variant Classification Summary - May 2015. Collection method: clinical testing. Allele origin: germline.
Comment: Variant summary: MTRFR c.112G>A (p.Val38Ile) results in a conservative amino acid change in the encoded protein sequence. Algorithms developed to predict the effect of missense changes on protein structure and function all suggest that this variant is likely to be tolerated. The variant allele was found at a frequency of 0.00014 in 282662 control chromosomes. This frequency is not significantly higher than estimated for disease-causing variants in MTRFR, allowing no conclusion about variant significance. To our knowledge, no occurrence of c.112G>A in individuals affected with MTRFR-related conditions and no experimental evidence demonstrating its impact on protein function have been reported. ClinVar contains an entry for this variant (Variation ID: 307497). Based on the evidence outlined above, the variant was classified as uncertain significance.

GeneDx
Classification: Uncertain significance. Last evaluated: 2025-06-09. Review status: criteria provided, single submitter. Criteria: GeneDx Variant Classification Process June 2021. Collection method: clinical testing. Allele origin: germline.
Comment: In silico analysis suggests that this missense variant does not alter protein structure/function; Has not been previously published as pathogenic or benign to our knowledge

Labcorp Genetics (formerly Invitae), Labcorp
Classification: Uncertain significance for Combined oxidative phosphorylation defect type 7; Spastic paraplegia. Last evaluated: 2022-08-08. Review status: criteria provided, single submitter. Criteria: Invitae Variant Classification Sherloc (09022015). Collection method: clinical testing. Allele origin: germline.
Comment: This sequence change replaces valine, which is neutral and non-polar, with isoleucine, which is neutral and non-polar, at codon 38 of the C12orf65 protein (p.Val38Ile). This variant is present in population databases (rs146534475, gnomAD 0.2%). This variant has not been reported in the literature in individuals affected with C12orf65-related conditions. ClinVar contains an entry for this variant (Variation ID: 307497). Algorithms developed to predict the effect of missense changes on protein structure and function (SIFT, PolyPhen-2, Align-GVGD) all suggest that this variant is likely to be tolerated. In summary, the available evidence is currently insufficient to determine the role of this variant in disease. Therefore, it has been classified as a Variant of Uncertain Significance.

Mayo Clinic Laboratories, Mayo Clinic
Classification: Uncertain significance. Last evaluated: 2022-03-16. Review status: criteria provided, single submitter. Criteria: ACMG Guidelines, 2015. Collection method: clinical testing. Allele origin: germline. Observed: 3 variant alleles.

Illumina Laboratory Services, Illumina
Classification: Uncertain significance for Combined oxidative phosphorylation defect type 7. Last evaluated: 2018-01-12. Review status: criteria provided, single submitter. Criteria: ICSL Variant Classification Criteria 13 December 2019. Collection method: clinical testing. Allele origin: germline.

NM_152269.5(MTRFR):c.112G>A (p.Val38Ile)

Gene: MTRFR (mitochondrial translation release factor in rescue; plus strand). Cytogenetic location: 12q24.31.
Variant type: single nucleotide variant.
Coding change: c.112G>A on transcript NM_152269.5 (MANE Select); coding-DNA position 112, G replaced by A.
Protein change: p.Val38Ile; replaces valine 38 with isoleucine.
Molecular consequence: missense variant.
Genome position (GRCh38, 1-based): chr12:123,253,786, G>A. VCF-style: chr12-123253786-G-A. GRCh37 (hg19) VCF-style: chr12-123738333-G-A.
Other names: c.112G>A, p.Val38Ile (NM_001143905.2, NM_001194995.1); short protein forms V38I.
Identifiers: ClinVar variation 307497 (VCV000307497.17), dbSNP rs146534475, ClinGen allele CA6856518.